The following is an entry in ClinVar:

ClinVar aggregate classification (germline): Likely pathogenic (1 of 4 stars; one submission).

Conditions:
Niemann-Pick disease, type C1. Also called: NEUROVISCERAL STORAGE DISEASE WITH VERTICAL SUPRANUCLEAR OPHTHALMOPLEGIA; NIEMANN-PICK DISEASE WITH CHOLESTEROL ESTERIFICATION BLOCK; NIEMANN-PICK DISEASE WITHOUT SPHINGOMYELINASE DEFICIENCY; NIEMANN-PICK DISEASE, CHRONIC NEURONOPATHIC FORM; NIEMANN-PICK DISEASE, VARIANT TYPE C1. Identifiers: Orphanet 646, MedGen C3179455, MONDO:0009757, OMIM 257220.

Submission:

Suma Genomics
Classification: Likely pathogenic for Niemann-Pick disease, type C1. Review status: criteria provided, single submitter. Criteria: ACMG Guidelines, 2015. Collection method: clinical testing. Allele origin: germline. Inheritance: Autosomal recessive inheritance. Affected: yes. Observed: 1 variant allele, 1 homozygote.
Comment: This variant is not observed in the gnomAD database. In-silico analysis tool SpliceAI predicts this variant in NPC1 to cause aberrant splicing. Biallelic loss-of-function variants in NPC1 are associated with Niemann- Pick disease, type C1/ Niemann-Pick disease, type D (MIM# 257220). ACMG classification: Likely pathogenic Criteria met: PVS1 and PM2_Supporting

NM_000271.5(NPC1):c.2245+2T>C

Gene: NPC1 (NPC intracellular cholesterol transporter 1; minus strand). Cytogenetic location: 18q11.2.
Variant type: single nucleotide variant.
Coding change: c.2245+2T>C on transcript NM_000271.5 (MANE Select); the canonical splice donor site of the intron after coding-DNA position 2245, T replaced by C.
Molecular consequence: splice donor variant.
Genome position (GRCh38, 1-based): chr18:23,543,453, A>G on the plus strand (T>C on the coding strand, the complement: NPC1 is on the minus strand). VCF-style: chr18-23543453-A-G. GRCh37 (hg19) VCF-style: chr18-21123417-A-G.
Identifiers: ClinVar variation 5043516 (VCV005043516.1).